The following is an entry in ClinVar:

ClinVar aggregate classification (germline): Uncertain significance (1 of 4 stars; one submission).

Conditions:
DICER1-related tumor predisposition. Also called: DICER1 syndrome; DICER1-related pleuropulmonary blastoma cancer predisposition syndrome. Identifiers: Orphanet 284343, MedGen C3839822, MONDO:0100216.

Submission:

Labcorp Genetics (formerly Invitae), Labcorp
Classification: Uncertain significance for DICER1-related tumor predisposition. Last evaluated: 2023-05-30. Review status: criteria provided, single submitter. Criteria: Invitae Variant Classification Sherloc (09022015). Collection method: clinical testing. Allele origin: germline.
Comment: In summary, the available evidence is currently insufficient to determine the role of this variant in disease. Therefore, it has been classified as a Variant of Uncertain Significance. Advanced modeling of protein sequence and biophysical properties (such as structural, functional, and spatial information, amino acid conservation, physicochemical variation, residue mobility, and thermodynamic stability) performed at Invitae indicates that this missense variant is not expected to disrupt DICER1 protein function. ClinVar contains an entry for this variant (Variation ID: 1046678). This variant has not been reported in the literature in individuals affected with DICER1-related conditions. This variant is not present in population databases (gnomAD no frequency). This sequence change replaces proline, which is neutral and non-polar, with arginine, which is basic and polar, at codon 919 of the DICER1 protein (p.Pro919Arg).

NM_177438.3(DICER1):c.2756C>G (p.Pro919Arg)

Gene: DICER1 (dicer 1, ribonuclease III; minus strand). Cytogenetic location: 14q32.13.
Variant type: single nucleotide variant.
Coding change: c.2756C>G on transcript NM_177438.3 (MANE Select); coding-DNA position 2756, C replaced by G.
Protein change: p.Pro919Arg; replaces proline 919 with arginine.
Molecular consequence: missense variant.
Genome position (GRCh38, 1-based): chr14:95,107,656, G>C on the plus strand (C>G on the coding strand, the complement: DICER1 is on the minus strand). VCF-style: chr14-95107656-G-C. GRCh37 (hg19) VCF-style: chr14-95573993-G-C.
Other names: c.2756C>G, p.Pro919Arg (NM_001195573.1, NM_001271282.3, NM_001291628.2 and 1 more transcripts); short protein forms P919R.
Identifiers: ClinVar variation 1046678 (VCV001046678.10), dbSNP rs1595378895, ClinGen allele CA390879509.
Genomic context (GRCh38, chr14:95,107,656, plus strand): 5'-TTAAATACCTACCTTGGAATGATAACGGCATCTTGGTAATCTTCTAATTTAAAAACAAAG[G>C]GTGTTTCTTTTGTATACTTTGTACTGGGAATGCCTATGCGAGCTTCAGACTTCTCAATAT-3'
Protein context (NP_803187.1, residues 909-929): IPSTKYTKET[Pro919Arg]FVFKLEDYQD